The following is an entry in ClinVar:

NM_000059.4(BRCA2):c.8828_8829delinsGA (p.Gln2943Arg)

Gene: BRCA2 (BRCA2 DNA repair associated; plus strand). Cytogenetic location: 13q13.1.
Variant type: Indel.
Coding change: c.8828_8829delinsGA on transcript NM_000059.4 (MANE Select); coding-DNA positions 8828 to 8829, AG replaced by GA.
Protein change: p.Gln2943Arg; replaces glutamine 2943 with arginine.
Molecular consequence: missense variant.
Genome position (GRCh38, 1-based): chr13:32,379,390-32,379,391, AG replaced by GA. VCF-style: chr13-32379390-AG-GA. GRCh37 (hg19) VCF-style: chr13-32953527-AG-GA.
Other names: c.8732_8733delAGinsGA, p.Gln2911Arg (NM_001406719.1); c.8828_8829delAGinsGA, p.Gln2943Arg (NM_001406720.1); c.3896_3897delAGinsGA, p.Gln1299Arg (NM_001406721.1); c.2411_2412delAGinsGA, p.Gln804Arg (NM_001406722.1); short protein forms Q2911R, Q2943R, Q804R, Q1299R.
Identifiers: ClinVar variation 2128129 (VCV002128129.5), dbSNP rs2548555069, ClinGen allele CA2580087461.
Genomic context (GRCh38, chr13:32,379,390, plus strand): 5'-AAGAGCAGTTAAGAGCCTTGAATAATCACAGGCAAATGTTGAATGATAAGAAACAAGCTC[AG>GA]ATCCAGTTGGAAATTAGGAAGGCCATGGAATCTGCTGAACAAAAGGAACAAGGTTTATCA-3'
Protein context (NP_000050.3, residues 2933-2953): RQMLNDKKQA[Gln2943Arg]IQLEIRKAME

ClinVar aggregate classification (germline): Uncertain significance. Review status: criteria provided, multiple submitters, no conflicts (2 of 4 stars). 2 submissions from 2 submitters: Uncertain significance (2). Last evaluated 2025-02-18.

Conditions:
Hereditary breast ovarian cancer syndrome. Also called: Hereditary breast and ovarian cancer syndrome; BRCA1- and BRCA2-Associated Hereditary Breast and Ovarian Cancer; Hereditary breast and ovarian cancer syndrome (HBOC); Hereditary breast and/or ovarian cancer syndrome; Hereditary breast and ovarian cancer; Breast and ovarian cancer. Identifiers: Orphanet 145, MedGen C0677776, MeSH D061325, MONDO:0003582. Disease mechanism: loss of function.
Hereditary cancer-predisposing syndrome. Also called: Hereditary neoplastic syndrome; Tumor predisposition; Hereditary Cancer Syndrome; Neoplastic Syndromes, Hereditary. Identifiers: Orphanet 140162, MedGen C0027672, MeSH D009386, MONDO:0015356.

Submissions (2):

Labcorp Genetics (formerly Invitae), Labcorp
Classification: Uncertain significance for Hereditary breast ovarian cancer syndrome. Last evaluated: 2025-02-18. Review status: criteria provided, single submitter. Criteria: Invitae Variant Classification Sherloc (09022015). Collection method: clinical testing. Allele origin: germline.
Comment: This sequence change replaces glutamine, which is neutral and polar, with arginine, which is basic and polar, at codon 2943 of the BRCA2 protein (p.Gln2943Arg). Information on the frequency of this variant in the gnomAD database is not available, as this variant may be reported differently in the database. This variant has not been reported in the literature in individuals affected with BRCA2-related conditions. ClinVar contains an entry for this variant (Variation ID: 2128129). An algorithm developed to predict the effect of missense changes on protein structure and function (PolyPhen-2) suggests that this variant is likely to be disruptive. In summary, the available evidence is currently insufficient to determine the role of this variant in disease. Therefore, it has been classified as a Variant of Uncertain Significance.

Ambry Genetics
Classification: Uncertain significance for Hereditary cancer-predisposing syndrome. Last evaluated: 2024-12-17. Review status: criteria provided, single submitter. Criteria: Ambry Variant Classification Scheme 2023. Collection method: clinical testing. Allele origin: germline.
Comment: The c.8828_8829delAGinsGA variant (also known as p.Q2943R), located in coding exon 21 of the BRCA2 gene, results from an in-frame deletion of AG and insertion of GA at nucleotide positions 8828 to 8829. This results in the substitution of the glutamine residue for an arginine residue at codon 2943, an amino acid with highly similar properties. This amino acid position is well conserved in available vertebrate species. In addition, this alteration is predicted to be neutral by in silico analysis (Choi Y et al. PLoS ONE. 2012; 7(10):e46688). Since supporting evidence is limited at this time, the clinical significance of this alteration remains unclear.